The following is an entry in ClinVar:

NM_001379403.1(WDR26):c.865C>T (p.Pro289Ser)

Gene: WDR26 (WD repeat domain 26; minus strand). Cytogenetic location: 1q42.12.
Variant type: single nucleotide variant.
Coding change: c.865C>T on transcript NM_001379403.1 (MANE Select); coding-DNA position 865, C replaced by T.
Protein change: p.Pro289Ser; replaces proline 289 with serine.
Molecular consequence: missense variant.
Genome position (GRCh38, 1-based): chr1:224,431,539, G>A on the plus strand (C>T on the coding strand, the complement: WDR26 is on the minus strand). VCF-style: chr1-224431539-G-A. GRCh37 (hg19) VCF-style: chr1-224619241-G-A.
Other names: c.565C>T, p.Pro189Ser (NM_001115113.3, NM_025160.7); short protein forms P189S, P289S.
Identifiers: ClinVar variation 4881666 (VCV004881666.2).

ClinVar aggregate classification (germline): Uncertain significance (1 of 4 stars; one submission).

Conditions:
Skraban-Deardorff syndrome. Also called: INTELLECTUAL DISABILITY WITH SEIZURES, ABNORMAL GAIT, AND DISTINCTIVE FACIAL FEATURES; WDR26-Related Intellectual Disability. Identifiers: Orphanet 513456, MedGen C4539927, MONDO:0054636, OMIM 617616.

gnomAD v4.1: 1 of 1,614,044 alleles (0.000062%); highest among the groups gnomAD compares: Non-Finnish European, 0.000085%; no homozygotes.

Submission:

Dasa
Classification: Uncertain significance for Skraban-Deardorff syndrome. Last evaluated: 2025-10-09. Review status: criteria provided, single submitter. Criteria: DASA Assertion Criteria. Collection method: clinical testing. Allele origin: germline.
Comment: NM_001379403.1(WDR26):c.865C>T (p.Pro289Ser) is a missense variant that results in the substitution of proline with serine. This variant is rare in population databases. The currently available literature and clinical evidence are not sufficient to establish a definitive association between this variant and the reported condition. Therefore, this variant is classified as a variant of uncertain significance.